The following is an entry in ClinVar:

ClinVar aggregate classification (germline): Uncertain significance (1 of 4 stars; one submission).

gnomAD v4.1: 28 of 1,609,386 alleles (0.0017%); highest among the groups gnomAD compares: South Asian, 0.02%; no homozygotes.

Submission:

Women's Health and Genetics/Laboratory Corporation of America, LabCorp
Classification: Uncertain significance. Last evaluated: 2024-07-08. Review status: criteria provided, single submitter. Criteria: LabCorp Variant Classification Summary - May 2015. Collection method: clinical testing. Allele origin: germline.
Comment: Variant summary: FBXW11 c.*14C>G is located in the untranslated mRNA region downstream of the termination codon. The variant allele was found at a frequency of 4.4e-05 in 247608 control chromosomes. This frequency is not significantly higher than estimated for a pathogenic variant in FBXW11 causing Neurodevelopmental, Jaw, Eye, And Digital Syndrome, allowing no conclusion about variant significance. To our knowledge, no occurrence of c.*14C>G in individuals affected with Neurodevelopmental, Jaw, Eye, And Digital Syndrome and no experimental evidence demonstrating its impact on protein function have been reported. No submitters have cited clinical-significance assessments for this variant to ClinVar. Based on the evidence outlined above, the variant was classified as uncertain significance.

NM_001378974.1(FBXW11):c.*14C>G

Gene: FBXW11 (F-box and WD repeat domain containing 11; minus strand). Cytogenetic location: 5q35.1.
Variant type: single nucleotide variant.
Coding change: c.*14C>G on transcript NM_001378974.1 (MANE Select); 14 bases downstream of the stop codon, C replaced by G.
Molecular consequence: 3 prime UTR variant.
Genome position (GRCh38, 1-based): chr5:171,868,621, G>C on the plus strand (C>G on the coding strand, the complement: FBXW11 is on the minus strand). VCF-style: chr5-171868621-G-C. GRCh37 (hg19) VCF-style: chr5-171295625-G-C.
Other names: c.*14C>G (NM_012300.3, NM_033644.3, NM_033645.3 and 6 more transcripts).
Identifiers: ClinVar variation 3339068 (VCV003339068.1).
Genomic context (GRCh38, chr5:171,868,621, plus strand): 5'-GAAGGTGAATTCAATCAGCAAAATTGGAAGGGGAGAGGATAGTACTCACCTGAAACGGGT[G>C]AAAGTGCAGACTGTTATCTAGAGATGTAAGTGTATGTTCTGGAGGGAGAACGGGTCTCAT-3'